The following is an entry in ClinVar:

ClinVar aggregate classification (germline): Conflicting classifications of pathogenicity. Review status: criteria provided, conflicting classifications (1 of 4 stars). 7 submissions from 7 submitters: Pathogenic (5); Likely pathogenic (1); Uncertain significance (1). Last evaluated 2026-03-31.

Conditions:
NPC1-related disorder. Also called: NPC1-related condition.
Niemann-Pick disease, type C (NPC). Identifiers: Orphanet 646, MedGen C0220756, MONDO:0018982.
Niemann-Pick disease, type C1. Also called: NEUROVISCERAL STORAGE DISEASE WITH VERTICAL SUPRANUCLEAR OPHTHALMOPLEGIA; NIEMANN-PICK DISEASE WITH CHOLESTEROL ESTERIFICATION BLOCK; NIEMANN-PICK DISEASE WITHOUT SPHINGOMYELINASE DEFICIENCY; NIEMANN-PICK DISEASE, CHRONIC NEURONOPATHIC FORM; NIEMANN-PICK DISEASE, VARIANT TYPE C1. Identifiers: Orphanet 646, MedGen C3179455, MONDO:0009757, OMIM 257220.

Allele frequency attached by ClinVar (database versions not stated): TOPMed below 0.00001; gnomAD 0.00001.
gnomAD v4.1: 12 of 1,613,760 alleles (0.00074%); highest among the groups gnomAD compares: South Asian, 0.0033%; no homozygotes.

Submissions (7):

GeneDx
Classification: Pathogenic. Last evaluated: 2026-03-31. Review status: criteria provided, single submitter. Criteria: GeneDx Variant Classification Process June 2021. Collection method: clinical testing. Allele origin: germline.
Comment: Published functional studies demonstrate a damaging effect on NPC1 folding, trafficking, and degradation, but does not completely abolish NPC1 functionality (PMID: 23430855); Not observed at significant frequency in large population cohorts (gnomAD); In silico analysis supports that this missense variant has a deleterious effect on protein structure/function; Identified in patients with clinical features consistent with a NPC1-related disorder in published literature (PMID: 11349231, 26666848); This variant is associated with the following publications: (PMID: 11349231, 26666848, 32138288, Almeida2025[casereport], 23430855)

Natera, Inc.
Classification: Pathogenic for Niemann-Pick disease type C1. Last evaluated: 2024-11-22. Review status: criteria provided, single submitter. Criteria: Natera Variant Classification Schema (03/2026). Collection method: clinical testing. Allele origin: germline.
Comment: The c.3493G>A variant in NPC1 is a missense variant predicted to cause substitution of valine to methionine at amino acid 1165. This variant is rare in the general population with a frequency below the threshold expected for the associated phenotype(s). This variant has been observed in one or more individuals affected with the associated recessive disease, as either homozygous or compound heterozygous with a second variant (PMID: 17160617, 23430855, 24570279). Computational prediction algorithms indicate this variant is likely to affect gene or protein function. Given the available evidence, this variant is classified as Pathogenic.

Women's Health and Genetics/Laboratory Corporation of America, LabCorp
Classification: Pathogenic for Niemann-Pick disease, type C. Last evaluated: 2024-04-08. Review status: criteria provided, single submitter. Criteria: LabCorp Variant Classification Summary - May 2015. Collection method: clinical testing. Allele origin: germline.
Comment: Variant summary: NPC1 c.3493G>A (p.Val1165Met) results in a conservative amino acid change in the encoded protein sequence. Four of five in-silico tools predict a damaging effect of the variant on protein function. The variant allele was found at a frequency of 4e-06 in 250836 control chromosomes. c.3493G>A has been reported in the literature in multiple individuals affected with Niemann-Pick Disease Type C (example, Imrie_2015, Rodriguez-Gil_2021, Sun_2001). These data indicate that the variant is very likely to be associated with disease. The following publications have been ascertained in the context of this evaluation (PMID: 26666848, 34296265, 11349231). ClinVar contains an entry for this variant (Variation ID: 195723). Based on the evidence outlined above, the variant was classified as pathogenic.

Labcorp Genetics (formerly Invitae), Labcorp
Classification: Pathogenic for Niemann-Pick disease, type C1. Last evaluated: 2023-04-25. Review status: criteria provided, single submitter. Criteria: Invitae Variant Classification Sherloc (09022015). Collection method: clinical testing. Allele origin: germline.
Comment: For these reasons, this variant has been classified as Pathogenic. Advanced modeling of protein sequence and biophysical properties (such as structural, functional, and spatial information, amino acid conservation, physicochemical variation, residue mobility, and thermodynamic stability) performed at Invitae indicates that this missense variant is expected to disrupt NPC1 protein function. ClinVar contains an entry for this variant (Variation ID: 195723). This missense change has been observed in individual(s) with Niemann-Pick C (PMID: 11349231, 17160617, 19744920, 23430855, 25349751, 26666848). In at least one individual the data is consistent with being in trans (on the opposite chromosome) from a pathogenic variant. The frequency data for this variant in the population databases is considered unreliable, as metrics indicate poor data quality at this position in the gnomAD database. This sequence change replaces valine, which is neutral and non-polar, with methionine, which is neutral and non-polar, at codon 1165 of the NPC1 protein (p.Val1165Met).

Victorian Clinical Genetics Services, Murdoch Childrens Research Institute
Classification: Pathogenic for Niemann-Pick disease, type C1. Last evaluated: 2022-02-02. Review status: criteria provided, single submitter. Criteria: ACMG Guidelines, 2015. Collection method: clinical testing. Allele origin: germline. Inheritance: Autosomal recessive inheritance. Affected: yes.
Comment: Based on the classification scheme VCGS_Germline_v1.3.4, this variant is classified as Pathogenic. Following criteria are met: 0102 - Loss of function is a known mechanism of disease in this gene and is associated with Niemann-Pick disease type C1 and type D (MIM#257220). (I) 0106 - This gene is associated with autosomal recessive disease. (I) 0115 - Variants in this gene are known to have variable expressivity (PMID: 32138288). (I) 0200 - Variant is predicted to result in a missense amino acid change from valine to methionine. (I) 0251 - This variant is heterozygous. (I) 0304 - Variant is present in gnomAD (v2, v3) <0.01 for a recessive condition (2 heterozygotes, 0 homozygotes). (SP) 0309 - An alternative amino acid change at the same position has been observed in gnomAD (v2) (1 heterozygote, 0 homozygotes). (I) 0501 - Missense variant consistently predicted to be damaging by multiple in silico tools or highly conserved with a major amino acid change. (SP) 0600 - Variant is located in the annotated patched domain (DECIPHER). (I) 0705 - No comparable missense variants have previous evidence for pathogenicity. (I) 0801 - This variant has strong previous evidence of pathogenicity in unrelated individuals. This variant has been reported as a VUS, but more recently as likely pathogenic (ClinVar). It has been observed in multiple compound heterozygous and homozygous individuals with late-infantile, juvenile or adult-onset Neimann-Pick disease type C (NPC; PMID: 32138288, PMID: 26666848). (SP) 1001 - This variant has strong functional evidence supporting abnormal protein function. Cells of an individual with NPC, demonstrated significant increases in cholesterol accumulation (PMID: 33163944). (I) Legend: (SP) - Supporting pathogenic, (I) - Information, (SB) - Supporting benign

Blueprint Genetics
Classification: Likely pathogenic for NPC1-related disorders. Last evaluated: 2022-01-05. Review status: criteria provided, single submitter. Criteria: ACMG Guidelines, 2015. Collection method: clinical testing. Allele origin: germline. Affected: yes. Observed: 2 variant alleles.

Eurofins Ntd Llc (ga)
Classification: Uncertain significance. Last evaluated: 2014-08-14. Review status: criteria provided, single submitter. Criteria: EGL Classification Definitions 2015. Collection method: clinical testing. Allele origin: germline. Observed: 2 variant alleles, 2 heterozygotes.

Literature cited by the submitters: PubMed 17160617 (cited by Natera, Inc. and Labcorp Genetics (formerly Invitae), Labcorp); PubMed 23430855 (cited by Natera, Inc. and Labcorp Genetics (formerly Invitae), Labcorp); PubMed 24570279 (cited by Natera, Inc.); PubMed 11349231 (cited by 3 submitters); PubMed 26666848 (cited by 3 submitters); PubMed 34296265 (cited by Women's Health and Genetics/Laboratory Corporation of America, LabCorp); PubMed 19744920 (cited by Labcorp Genetics (formerly Invitae), Labcorp and Eurofins Ntd Llc (ga)); PubMed 25349751 (cited by Labcorp Genetics (formerly Invitae), Labcorp); PubMed 32138288 (cited by Victorian Clinical Genetics Services, Murdoch Childrens Research Institute); PubMed 33163944 (cited by Victorian Clinical Genetics Services, Murdoch Childrens Research Institute).

NM_000271.5(NPC1):c.3493G>A (p.Val1165Met)

Gene: NPC1 (NPC intracellular cholesterol transporter 1; minus strand). Cytogenetic location: 18q11.2.
Variant type: single nucleotide variant.
Coding change: c.3493G>A on transcript NM_000271.5 (MANE Select); coding-DNA position 3493, G replaced by A.
Protein change: p.Val1165Met; replaces valine 1165 with methionine.
Molecular consequence: missense variant.
Genome position (GRCh38, 1-based): chr18:23,534,544, C>T on the plus strand (G>A on the coding strand, the complement: NPC1 is on the minus strand). VCF-style: chr18-23534544-C-T. GRCh37 (hg19) VCF-style: chr18-21114508-C-T.
Other names: short protein forms V1165M.
Identifiers: ClinVar variation 195723 (VCV000195723.21), dbSNP rs748862167, ClinGen allele CA242284.
Genomic context (GRCh38, chr18:23,534,544, plus strand): 5'-CCACGCGGCTGCCTTTCATGCTCACCGTGAACGCTCTGGTTATGTGGCTGCAGAACTCCA[C>T]GGAGATGCCACAGCTCTGAAATAAAGCACTTCCTTTAGGATGGCTCTCTTCCTGTTGAAG-3'
Protein context (NP_000262.2, residues 1155-1175): VNLVMSCGIS[Val1165Met]EFCSHITRAF